The following is an entry in ClinVar:

NM_001201543.2(FAM161A):c.86A>G (p.Gln29Arg)

Genes: FAM161A (FAM161 centrosomal protein A; minus strand), LOC129933843 (ATAC-STARR-seq lymphoblastoid active region 15839; plus strand). Cytogenetic location: 2p15.
Variant type: single nucleotide variant.
Coding change: c.86A>G on transcript NM_001201543.2 (MANE Select); coding-DNA position 86, A replaced by G.
Protein change: p.Gln29Arg; replaces glutamine 29 with arginine.
Molecular consequence: missense variant. On other transcripts: non-coding transcript variant (1).
Genome position (GRCh38, 1-based): chr2:61,853,956, T>C on the plus strand (A>G on the coding strand, the complement: FAM161A is on the minus strand). VCF-style: chr2-61853956-T-C. GRCh37 (hg19) VCF-style: chr2-62081091-T-C.
Other names: c.86A>G, p.Gln29Arg (NM_032180.3); short protein forms Q29R.
Identifiers: ClinVar variation 962452 (VCV000962452.5), dbSNP rs763794474, ClinGen allele CA1679450.

ClinVar aggregate classification (germline): Uncertain significance. Review status: criteria provided, single submitter (1 of 4 stars). 2 submissions from 2 submitters: Uncertain significance (1). 1 of the submissions does not count toward it. Last evaluated 2022-08-22.

Conditions:
Retinitis pigmentosa 28 (RP28). Identifiers: Orphanet 791, MedGen C1419614, MONDO:0011630, OMIM 606068.

Allele frequency attached by ClinVar (database versions not stated): ExAC 0.00001; gnomAD exomes 0.00002; gnomAD 0.00007; TOPMed 0.00008.
gnomAD v4.1: 28 of 1,613,928 alleles (0.0017%); highest among the groups gnomAD compares: African/African-American, 0.033%; 1 homozygote.

Submissions (2):

Labcorp Genetics (formerly Invitae), Labcorp
Classification: Uncertain significance. Last evaluated: 2022-08-22. Review status: criteria provided, single submitter. Criteria: Invitae Variant Classification Sherloc (09022015). Collection method: clinical testing. Allele origin: germline.
Comment: This sequence change replaces glutamine, which is neutral and polar, with arginine, which is basic and polar, at codon 29 of the FAM161A protein (p.Gln29Arg). This variant is present in population databases (rs763794474, gnomAD 0.03%). This variant has not been reported in the literature in individuals affected with FAM161A-related conditions. ClinVar contains an entry for this variant (Variation ID: 962452). Algorithms developed to predict the effect of missense changes on protein structure and function (SIFT, PolyPhen-2, Align-GVGD) all suggest that this variant is likely to be tolerated. Algorithms developed to predict the effect of sequence changes on RNA splicing suggest that this variant may create or strengthen a splice site. In summary, the available evidence is currently insufficient to determine the role of this variant in disease. Therefore, it has been classified as a Variant of Uncertain Significance.

Natera, Inc.
Classification: Uncertain significance for Retinitis pigmentosa type 28. Last evaluated: 2020-05-26. Review status: no assertion criteria provided. Collection method: clinical testing. Allele origin: germline. Not counted in ClinVar's aggregate classification.